The following is an entry in ClinVar:

ClinVar aggregate classification (germline): Pathogenic/Likely pathogenic. Review status: criteria provided, multiple submitters, no conflicts (2 of 4 stars). 3 submissions from 3 submitters: Pathogenic (2); Likely pathogenic (1). Last evaluated 2024-04-19.

Conditions:
Mucolipidosis type II. Also called: ML II ALPHA/BETA; Mucolipidosis II Alpha/Beta; Mucolipidosis 2; ML 2; Inclusion cell disease; Leroy Disease. Identifiers: Orphanet 576, MedGen C2673377, MONDO:0009650, OMIM 252500.
Pseudo-Hurler polydystrophy. Also called: ML III; ML III ALPHA/BETA; MUCOLIPIDOSIS IIIA; Type III Mucolipidosis; ML IIIA; Mucolipidosis III Alpha/Beta. Identifiers: Orphanet 423461, Orphanet 577, MedGen C0033788, MONDO:0018931, OMIM 252600.
GNPTAB-mucolipidosis. Also called: UDP-N-acetylglucosamine-1-phosphotransferase subunit alpha/beta deficiency. Identifiers: MedGen CN322573, MONDO:0100122.

Submissions (3):

Natera, Inc.
Classification: Likely pathogenic for Mucolipidosis type II. Last evaluated: 2024-04-19. Review status: criteria provided, single submitter. Criteria: Natera Variant Classification Schema (03/2026). Collection method: clinical testing. Allele origin: germline.
Comment: The c.1609C>T variant in GNPTAB is a nonsense variant predicted to introduce a stop codon at amino acid 537. This variant is expected to result in nonsense mediated decay, truncation, or a dysfunctional protein product. This variant is rare in the general population with a frequency below the threshold expected for the associated phenotype(s). Given the available evidence, this variant is classified as Likely Pathogenic.

Myriad Genetics, Inc.
Classification: Pathogenic for GNPTAB-mucolipidosis. Last evaluated: 2024-01-21. Review status: criteria provided, single submitter. Criteria: Myriad Autosomal Dominant, Autosomal Recessive and X-Linked Classification Criteria (2023). Collection method: clinical testing. Allele origin: unknown.
Comment: NM_024312.4(GNPTAB):c.1609C>T(Q537*) is expected to be pathogenic in the context of GNPTAB-related disorders. This variant is predicted to lead to an abnormal or absent protein product due to the creation of a premature termination codon in GNPTAB, a gene where loss-of-function variants are known to be pathogenic. Please note: this variant was assessed in the context of healthy population screening.

Labcorp Genetics (formerly Invitae), Labcorp
Classification: Pathogenic for Pseudo-Hurler polydystrophy; Mucolipidosis type II. Last evaluated: 2023-07-13. Review status: criteria provided, single submitter. Criteria: Invitae Variant Classification Sherloc (09022015). Collection method: clinical testing. Allele origin: germline.
Comment: For these reasons, this variant has been classified as Pathogenic. Algorithms developed to predict the effect of sequence changes on RNA splicing suggest that this variant may create or strengthen a splice site. This premature translational stop signal has been observed in individual(s) with GNPTAB-related conditions (PMID: 30882951). This variant is not present in population databases (gnomAD no frequency). This sequence change creates a premature translational stop signal (p.Gln537*) in the GNPTAB gene. It is expected to result in an absent or disrupted protein product. Loss-of-function variants in GNPTAB are known to be pathogenic (PMID: 19617216, 25107912).

Literature cited by the submitters: PubMed 30882951 (cited by Labcorp Genetics (formerly Invitae), Labcorp); PubMed 19617216 (cited by Labcorp Genetics (formerly Invitae), Labcorp); PubMed 25107912 (cited by Labcorp Genetics (formerly Invitae), Labcorp).

NM_024312.5(GNPTAB):c.1609C>T (p.Gln537Ter)

Gene: GNPTAB (N-acetylglucosamine-1-phosphate transferase subunits alpha and beta; minus strand). Cytogenetic location: 12q23.2.
Variant type: single nucleotide variant.
Coding change: c.1609C>T on transcript NM_024312.5 (MANE Select); coding-DNA position 1609, C replaced by T.
Protein change: p.Gln537Ter; replaces glutamine 537 with a stop codon.
Molecular consequence: nonsense.
Genome position (GRCh38, 1-based): chr12:101,766,094, G>A on the plus strand (C>T on the coding strand, the complement: GNPTAB is on the minus strand). VCF-style: chr12-101766094-G-A. GRCh37 (hg19) VCF-style: chr12-102159872-G-A.
Other names: c.1609C>T (NM_024312.4); short protein forms Q537*.
Identifiers: ClinVar variation 2931851 (VCV002931851.5), dbSNP rs2547958587, ClinGen allele CA386301021.
Genomic context (GRCh38, chr12:101,766,094, plus strand): 5'-TCTACCTGTCAAGGATGTTTTATGCTCCCATTCTTATTTGTTTGGCAGTAAACATACCTT[G>A]CCCACAGTCGCCAGCATCAAACCCACAGGACAAGACATTGCATGCTTGGTCACAGAACTT-3'